The following is an entry in ClinVar:

NM_001283009.2(RTEL1):c.3320C>G (p.Pro1107Arg)

Genes: RTEL1-TNFRSF6B (RTEL1-TNFRSF6B readthrough (NMD candidate); plus strand), RTEL1 (regulator of telomere elongation helicase 1; plus strand). Cytogenetic location: 20q13.33.
Variant type: single nucleotide variant.
Coding change: c.3320C>G on transcript NM_001283009.2 (MANE Select); coding-DNA position 3320, C replaced by G.
Protein change: p.Pro1107Arg; replaces proline 1107 with arginine.
Molecular consequence: missense variant. On other transcripts: non-coding transcript variant (1).
Genome position (GRCh38, 1-based): chr20:63,694,951, C>G. VCF-style: chr20-63694951-C-G. GRCh37 (hg19) VCF-style: chr20-62326304-C-G.
Other names: c.2651C>G, p.Pro884Arg (NM_001283010.1); c.3320C>G, p.Pro1107Arg (NM_016434.4); c.3392C>G, p.Pro1131Arg (NM_032957.5); c.3392C>G (NM_032957.4); short protein forms P884R, P1107R, P1131R.
Identifiers: ClinVar variation 1425281 (VCV001425281.7), dbSNP rs115264605, ClinGen allele CA9965952.

ClinVar aggregate classification (germline): Uncertain significance. Review status: criteria provided, multiple submitters, no conflicts (2 of 4 stars). 3 submissions from 3 submitters: Uncertain significance (3). Last evaluated 2026-09-25.

Conditions:
RTEL1-related disorder. Also called: RTEL1-related disorders; RTEL1-related condition.
Dyskeratosis congenita, autosomal recessive 5 (DKCB5). Identifiers: MedGen C3554656, MONDO:0014076, OMIM 615190.
Pulmonary fibrosis and/or bone marrow failure, Telomere-related, 3. Also called: PULMONARY FIBROSIS AND/OR BONE MARROW FAILURE SYNDROME, TELOMERE-RELATED, 3. Identifiers: Orphanet 2032, MedGen C4225346, MONDO:0014613, OMIM 616373.

Allele frequency attached by ClinVar (database versions not stated): ExAC 0.00007; 1000 Genomes Project 30x 0.00047; 1000 Genomes Project 0.00060.
gnomAD v4.1: 31 of 1,612,538 alleles (0.0019%); highest among the groups gnomAD compares: East Asian, 0.062%; 1 homozygote.

Submissions (3):

PreventionGenetics, part of Exact Sciences
Classification: Uncertain significance for RTEL1-related condition. Last evaluated: 2026-09-25. Review status: criteria provided, single submitter. Criteria: ACMG Guidelines, 2015. Collection method: clinical testing. Allele origin: germline.
Comment: The RTEL1 c.3392C>G variant is predicted to result in the amino acid substitution p.Pro1131Arg. To our knowledge, this variant has not been reported in the literature. This variant is reported in 0.11% of alleles in individuals of East Asian descent in gnomAD and is interpreted as variant of uncertain significance in ClinVar (Variation ID: 1425281). Although we suspect that this variant may be benign, at this time, the clinical significance of this variant is uncertain due to the absence of conclusive functional and genetic evidence.

Labcorp Genetics (formerly Invitae), Labcorp
Classification: Uncertain significance for Dyskeratosis congenita, autosomal recessive 5; Pulmonary fibrosis and/or bone marrow failure, Telomere-related, 3. Last evaluated: 2025-12-10. Review status: criteria provided, single submitter. Criteria: Invitae Variant Classification Sherloc (09022015). Collection method: clinical testing. Allele origin: germline.
Comment: This sequence change replaces proline, which is neutral and non-polar, with arginine, which is basic and polar, at codon 1107 of the RTEL1 protein (p.Pro1107Arg). This variant is present in population databases (rs115264605, gnomAD 0.1%), including at least one homozygous and/or hemizygous individual. This variant has not been reported in the literature in individuals affected with RTEL1-related conditions. ClinVar contains an entry for this variant (Variation ID: 1425281). An algorithm developed to predict the effect of missense changes on protein structure and function (PolyPhen-2) suggests that this variant is likely to be disruptive. In summary, the available evidence is currently insufficient to determine the role of this variant in disease. Therefore, it has been classified as a Variant of Uncertain Significance.

Fulgent Genetics
Classification: Uncertain significance for Dyskeratosis congenita, autosomal recessive 5; Pulmonary fibrosis and/or bone marrow failure, Telomere-related, 3. Last evaluated: 2023-12-29. Review status: criteria provided, single submitter. Criteria: ACMG Guidelines, 2015. Collection method: clinical testing. Allele origin: germline.